The following is an entry in ClinVar:

NM_018451.5(CPAP):c.3851_3854dup (p.Asn1285delinsLysTer)

Genes: CPAP (centrosome assembly and centriole elongation protein; minus strand), RNF17 (ring finger protein 17; plus strand). Cytogenetic location: 13q12.12.
Variant type: Duplication.
Coding change: c.3851_3854dup on transcript NM_018451.5 (MANE Select); coding-DNA positions 3851 to 3854, 4 bases duplicated (ATAA; older notation c.3851_3854dupATAA).
Protein change: p.Asn1285delinsLysTer.
Molecular consequence: nonsense. On other transcripts: non-coding transcript variant (2).
Genome position (GRCh38, 1-based): chr13:24,883,340-24,883,343, TTAT duplicated on the plus strand (ATAA on the coding strand, the reverse complement: CPAP is on the minus strand); duplicating any 4 consecutive bases within chr13:24,883,340-24,883,344 gives the same sequence; the c. name uses the placement nearest the transcript's 3' end. VCF-style (leftmost placement, unchanged base first): chr13-24883339-A-ATTAT. GRCh37 (hg19) VCF-style: chr13-25457477-A-ATTAT.
Identifiers: ClinVar variation 3253388 (VCV003253388.1), dbSNP rs2541592064.

ClinVar aggregate classification (germline): Uncertain significance (1 of 4 stars; one submission).

Submission:

GeneDx
Classification: Uncertain significance. Last evaluated: 2023-12-11. Review status: criteria provided, single submitter. Criteria: GeneDx Variant Classification Process June 2021. Collection method: clinical testing. Allele origin: germline. Affected: yes.
Comment: Not observed at significant frequency in large population cohorts (gnomAD); Frameshift variant predicted to result in abnormal protein length as the last 54 amino acids are replaced with 1 different amino acid; Has not been previously published as pathogenic or benign to our knowledge